The following is an entry in ClinVar:

ClinVar aggregate classification (germline): Conflicting classifications of pathogenicity. Review status: criteria provided, conflicting classifications (1 of 4 stars). 2 submissions from 2 submitters: Uncertain significance (1); Likely benign (1). Last evaluated 2024-12-22.

Conditions:
Charcot-Marie-Tooth disease axonal type 2O. Also called: CHARCOT-MARIE-TOOTH NEUROPATHY, AXONAL, TYPE 2O; CHARCOT-MARIE-TOOTH DISEASE, AXONAL, AUTOSOMAL DOMINANT, TYPE 2O; Charcot-Marie-Tooth disease, axonal, type 20; Charcot-Marie-Tooth Neuropathy Type 2O. Identifiers: Orphanet 284232, MedGen C3280220, MONDO:0013644, OMIM 614228.

Allele frequency attached by ClinVar (database versions not stated): gnomAD 0.00001; TOPMed 0.00001.
gnomAD v4.1: 2 of 1,613,986 alleles (0.00012%); highest among the groups gnomAD compares: Non-Finnish European, 0.00017%; no homozygotes.

Submissions (2):

Labcorp Genetics (formerly Invitae), Labcorp
Classification: Uncertain significance for Charcot-Marie-Tooth disease axonal type 2O. Last evaluated: 2024-12-22. Review status: criteria provided, single submitter. Criteria: Invitae Variant Classification Sherloc (09022015). Collection method: clinical testing. Allele origin: germline.
Comment: This sequence change affects codon 1992 of the DYNC1H1 mRNA. It is a 'silent' change, meaning that it does not change the encoded amino acid sequence of the DYNC1H1 protein. It affects a nucleotide within the consensus splice site. This variant is not present in population databases (gnomAD no frequency). This variant has not been reported in the literature in individuals affected with DYNC1H1-related conditions. ClinVar contains an entry for this variant (Variation ID: 515157). Algorithms developed to predict the effect of sequence changes on RNA splicing suggest that this variant is not likely to affect RNA splicing. In summary, the available evidence is currently insufficient to determine the role of this variant in disease. Therefore, it has been classified as a Variant of Uncertain Significance.

GeneDx
Classification: Likely benign. Last evaluated: 2018-01-31. Review status: criteria provided, single submitter. Criteria: GeneDx Variant Classification (06012015). Collection method: clinical testing. Allele origin: germline. Affected: yes.
Comment: This variant is considered likely benign or benign based on one or more of the following criteria: it is a conservative change, it occurs at a poorly conserved position in the protein, it is predicted to be benign by multiple in silico algorithms, and/or has population frequency not consistent with disease.

NM_001376.5(DYNC1H1):c.5976G>A (p.Lys1992=)

Gene: DYNC1H1 (dynein cytoplasmic 1 heavy chain 1; plus strand). Cytogenetic location: 14q32.31.
Variant type: single nucleotide variant.
Coding change: c.5976G>A on transcript NM_001376.5 (MANE Select); coding-DNA position 5976, G replaced by A.
Protein change: p.Lys1992=; no amino-acid change (lysine 1992 retained).
Molecular consequence: synonymous variant.
Genome position (GRCh38, 1-based): chr14:102,008,336, G>A. VCF-style: chr14-102008336-G-A. GRCh37 (hg19) VCF-style: chr14-102474673-G-A.
Identifiers: ClinVar variation 515157 (VCV000515157.4), dbSNP rs895478584, ClinGen allele CA267001376.